The following is an entry in ClinVar:

ClinVar aggregate classification (germline): Uncertain significance (1 of 4 stars; one submission).

Conditions:
Inborn genetic diseases. Identifiers: MedGen C0950123, MeSH D030342.

Submission:

Ambry Genetics
Classification: Uncertain significance for Inborn genetic diseases. Last evaluated: 2025-01-17. Review status: criteria provided, single submitter. Criteria: Ambry Variant Classification Scheme 2023. Collection method: clinical testing. Allele origin: germline.
Comment: The p.M107T variant (also known as c.320T>C), located in coding exon 3 of the SBDS gene, results from a T to C substitution at nucleotide position 320. The methionine at codon 107 is replaced by threonine, an amino acid with similar properties. This amino acid position is conserved. In addition, this alteration is predicted to be deleterious by in silico analysis. Based on the available evidence, the clinical significance of this variant remains unclear.

NM_016038.4(SBDS):c.320T>C (p.Met107Thr)

Gene: SBDS (SBDS ribosome maturation factor; minus strand). Cytogenetic location: 7q11.21.
Variant type: single nucleotide variant.
Coding change: c.320T>C on transcript NM_016038.4 (MANE Select); coding-DNA position 320, T replaced by C.
Protein change: p.Met107Thr; replaces methionine 107 with threonine.
Molecular consequence: missense variant.
Genome position (GRCh38, 1-based): chr7:66,993,356, A>G on the plus strand (T>C on the coding strand, the complement: SBDS is on the minus strand). VCF-style: chr7-66993356-A-G. GRCh37 (hg19) VCF-style: chr7-66458343-A-G.
Other names: short protein forms M107T.
Identifiers: ClinVar variation 3792716 (VCV003792716.1).